The following is an entry in ClinVar:

NM_014112.5(TRPS1):c.805C>G (p.Gln269Glu)

Gene: TRPS1 (transcriptional repressor GATA binding 1; minus strand). Cytogenetic location: 8q23.3.
Variant type: single nucleotide variant.
Coding change: c.805C>G on transcript NM_014112.5 (MANE Select); coding-DNA position 805, C replaced by G.
Protein change: p.Gln269Glu; replaces glutamine 269 with glutamic acid.
Molecular consequence: missense variant.
Genome position (GRCh38, 1-based): chr8:115,619,293, G>C on the plus strand (C>G on the coding strand, the complement: TRPS1 is on the minus strand). VCF-style: chr8-115619293-G-C. GRCh37 (hg19) VCF-style: chr8-116631520-G-C.
Other names: c.778C>G, p.Gln260Glu (NM_001282902.3); c.784C>G, p.Gln262Glu (NM_001282903.3); c.766C>G, p.Gln256Glu (NM_001330599.2); short protein forms Q269E, Q256E, Q262E, Q260E.
Identifiers: ClinVar variation 1429563 (VCV001429563.8), dbSNP rs770670680, ClinGen allele CA4851943.
Genomic context (GRCh38, chr8:115,619,293, plus strand): 5'-AATGGCTGAACTGCACCATGTTATGAAGGGCCAAGATTTTGCTGTCCAGCTCAGCATCTT[G>C]CCTGGTGCGGTTATGCAGTCCTAAGTGATACTTTCGGAAGTGCTTAATCAGATCTGTGGG-3'
Protein context (NP_054831.2, residues 259-279): YHLGLHNRTR[Gln269Glu]DAELDSKILA

ClinVar aggregate classification (germline): Uncertain significance (1 of 4 stars; one submission).

Conditions:
Trichorhinophalangeal dysplasia type I (TRPS1). Also called: TRICHORHINOPHALANGEAL SYNDROME, TYPE I; TRPS I. Identifiers: Orphanet 77258, MedGen C0432233, MONDO:0008596, OMIM 190350.
Trichorhinophalangeal syndrome, type III (TRPS3). Also called: SUGIO-KAJII SYNDROME. Identifiers: Orphanet 77258, MedGen C1860823, OMIM 190351, MONDO:0008597.

Allele frequency attached by ClinVar (database versions not stated): gnomAD exomes below 0.00001; ExAC 0.00001.
gnomAD v4.1: 2 of 1,614,084 alleles (0.00012%); highest among the groups gnomAD compares: Admixed American, 0.0033%; no homozygotes.

Submission:

Labcorp Genetics (formerly Invitae), Labcorp
Classification: Uncertain significance for Trichorhinophalangeal syndrome, type III; Trichorhinophalangeal dysplasia type I. Last evaluated: 2025-11-01. Review status: criteria provided, single submitter. Criteria: Invitae Variant Classification Sherloc (09022015). Collection method: clinical testing. Allele origin: germline.
Comment: This sequence change replaces glutamine, which is neutral and polar, with glutamic acid, which is acidic and polar, at codon 269 of the TRPS1 protein (p.Gln269Glu). This variant is present in population databases (rs770670680, gnomAD 0.003%). This variant has not been reported in the literature in individuals affected with TRPS1-related conditions. ClinVar contains an entry for this variant (Variation ID: 1429563). Invitae Evidence Modeling of protein sequence and biophysical properties (such as structural, functional, and spatial information, amino acid conservation, physicochemical variation, residue mobility, and thermodynamic stability) has been performed for this missense variant. However, the output from this modeling did not meet the statistical confidence thresholds required to predict the impact of this variant on TRPS1 protein function. In summary, the available evidence is currently insufficient to determine the role of this variant in disease. Therefore, it has been classified as a Variant of Uncertain Significance.